The following is an entry in ClinVar:

NM_000548.5(TSC2):c.4316G>C (p.Gly1439Ala)

Gene: TSC2 (TSC complex subunit 2; plus strand). Cytogenetic location: 16p13.3.
Variant type: single nucleotide variant.
Coding change: c.4316G>C on transcript NM_000548.5 (MANE Select); coding-DNA position 4316, G replaced by C.
Protein change: p.Gly1439Ala; replaces glycine 1439 with alanine.
Molecular consequence: missense variant.
Genome position (GRCh38, 1-based): chr16:2,084,538, G>C. VCF-style: chr16-2084538-G-C. GRCh37 (hg19) VCF-style: chr16-2134539-G-C.
Other names: c.4106G>C, p.Gly1369Ala (NM_001406671.1); c.4103G>C, p.Gly1368Ala (NM_001406673.1); c.4100G>C, p.Gly1367Ala (NM_001406675.1); c.4097G>C, p.Gly1366Ala (NM_001406676.1); c.4058G>C, p.Gly1353Ala (NM_001406677.1); c.4004G>C, p.Gly1335Ala (NM_001406678.1); c.3968G>C, p.Gly1323Ala (NM_001406679.1); c.3716G>C, p.Gly1239Ala (NM_001406680.1); and 26 more; short protein forms G1172A, G1173A, G1215A, G1239A, G1366A, G1369A, G1396A, G1413A.
Identifiers: ClinVar variation 1739662 (VCV001739662.2), dbSNP rs150397923, ClinGen allele CA394301299.

ClinVar aggregate classification (germline): Uncertain significance (1 of 4 stars; one submission).

Conditions:
Hereditary cancer-predisposing syndrome. Also called: Hereditary Cancer Syndrome; Hereditary neoplastic syndrome; Neoplastic Syndromes, Hereditary; Tumor predisposition. Identifiers: Orphanet 140162, MedGen C0027672, MeSH D009386, MONDO:0015356.

Submission:

Ambry Genetics
Classification: Uncertain significance for Hereditary cancer-predisposing syndrome. Last evaluated: 2022-10-20. Review status: criteria provided, single submitter. Criteria: Ambry Variant Classification Scheme 2023. Collection method: clinical testing. Allele origin: germline.
Comment: The p.G1439A variant (also known as c.4316G>C), located in coding exon 33 of the TSC2 gene, results from a G to C substitution at nucleotide position 4316. The glycine at codon 1439 is replaced by alanine, an amino acid with similar properties. This amino acid position is conserved. In addition, the in silico prediction for this alteration is inconclusive. Since supporting evidence is limited at this time, the clinical significance of this alteration remains unclear.